The following is an entry in ClinVar:

NM_001244008.2(KIF1A):c.4971C>A (p.Asp1657Glu)

Gene: KIF1A (kinesin family member 1A; minus strand). Cytogenetic location: 2q37.3.
Variant type: single nucleotide variant.
Coding change: c.4971C>A on transcript NM_001244008.2 (MANE Select); coding-DNA position 4971, C replaced by A.
Protein change: p.Asp1657Glu; replaces aspartic acid 1657 with glutamic acid.
Molecular consequence: missense variant.
Genome position (GRCh38, 1-based): chr2:240,719,824, G>T on the plus strand (C>A on the coding strand, the complement: KIF1A is on the minus strand). VCF-style: chr2-240719824-G-T. GRCh37 (hg19) VCF-style: chr2-241659241-G-T.
Other names: c.4668C>A (NM_004321.5); c.4695C>A, p.Asp1565Glu (NM_001320705.2, NM_001379649.1); c.4722C>A, p.Asp1574Glu (NM_001330289.2); c.4770C>A, p.Asp1590Glu (NM_001330290.2, NM_001379648.1); c.5046C>A, p.Asp1682Glu (NM_001379631.1); c.4947C>A, p.Asp1649Glu (NM_001379632.1); c.4944C>A, p.Asp1648Glu (NM_001379633.1, NM_001379645.1); c.4797C>A, p.Asp1599Glu (NM_001379634.1); and 8 more; short protein forms D1556E, D1657E, D1565E, D1574E, D1590E, D1555E, D1564E, D1573E.
Identifiers: ClinVar variation 377159 (VCV000377159.19), dbSNP rs184939069, ClinGen allele CA2207238.
Genomic context (GRCh38, chr2:240,719,824, plus strand): 5'-CCCCACACACCTGACTCGGATCTCCTGGATGTCAGGGACCAGCAGGCGCTGGGGCTCCTT[G>T]TCTGTCTCTGTTGCCCGGGCAGGGGAAGGGAGCTTCTTGGAGTCGGCCTCTGGCAGCAGC-3'
Protein context (NP_001230937.1, residues 1647-1667): LPSPARATET[Asp1657Glu]KEPQRLLVPD

ClinVar aggregate classification (germline): Conflicting classifications of pathogenicity. Review status: criteria provided, conflicting classifications (1 of 4 stars). 6 submissions from 6 submitters: Uncertain significance (5); Likely benign (1). Last evaluated 2026-01-12.

Conditions:
Inborn genetic diseases. Identifiers: MedGen C0950123, MeSH D030342.
Neuropathy, hereditary sensory, type 2C. Also called: Hereditary sensory and autonomic neuropathy type IIC; KIF1A-Related HSAN2 (HSAN2C). Identifiers: Orphanet 970, MedGen C3280168, MONDO:0013634, OMIM 614213.
Intellectual disability, autosomal dominant 9 (NESCAVS). Also called: NESCAV SYNDROME; KIF1A-Related Neurodevelopmental Disorder. Identifiers: Orphanet 662367, MedGen C5393830, MONDO:0013656, OMIM 614255.
Hereditary spastic paraplegia 30. Identifiers: Orphanet 101010, MedGen C5235139, MONDO:0012476.

Allele frequency attached by ClinVar (database versions not stated): gnomAD 0.00001; TOPMed 0.00001; 1000 Genomes Project 30x 0.00016; 1000 Genomes Project 0.00020.
gnomAD v4.1: 23 of 1,610,724 alleles (0.0014%); highest among the groups gnomAD compares: Middle Eastern, 0.05%; no homozygotes.

Submissions (6):

Labcorp Genetics (formerly Invitae), Labcorp
Classification: Uncertain significance for Hereditary spastic paraplegia 30; Neuropathy, hereditary sensory, type 2C; Intellectual disability, autosomal dominant 9. Last evaluated: 2026-01-12. Review status: criteria provided, single submitter. Criteria: Invitae Variant Classification Sherloc (09022015). Collection method: clinical testing. Allele origin: germline.
Comment: This sequence change replaces aspartic acid, which is acidic and polar, with glutamic acid, which is acidic and polar, at codon 1556 of the KIF1A protein (p.Asp1556Glu). This variant is present in population databases (rs184939069, gnomAD 0.007%). This variant has not been reported in the literature in individuals affected with KIF1A-related conditions. ClinVar contains an entry for this variant (Variation ID: 377159). Invitae Evidence Modeling of protein sequence and biophysical properties (such as structural, functional, and spatial information, amino acid conservation, physicochemical variation, residue mobility, and thermodynamic stability) indicates that this missense variant is not expected to disrupt KIF1A protein function with a negative predictive value of 95%. In summary, the available evidence is currently insufficient to determine the role of this variant in disease. Therefore, it has been classified as a Variant of Uncertain Significance.

Blueprint Genetics
Classification: Uncertain significance. Last evaluated: 2024-09-23. Review status: criteria provided, single submitter. Criteria: ACMG Guidelines, 2015. Collection method: clinical testing. Allele origin: germline.

Ambry Genetics
Classification: Uncertain significance for Inborn genetic diseases. Last evaluated: 2021-09-01. Review status: criteria provided, single submitter. Criteria: Ambry Variant Classification Scheme 2023. Collection method: clinical testing. Allele origin: germline.

GeneDx
Classification: Likely benign. Last evaluated: 2021-06-24. Review status: criteria provided, single submitter. Criteria: GeneDx Variant Classification Process June 2021. Collection method: clinical testing. Allele origin: germline. Affected: yes.
Comment: Has not been previously published as pathogenic or benign to our knowledge; In silico analysis, which includes protein predictors and evolutionary conservation, supports that this variant does not alter protein structure/function; This variant is associated with the following publications: (PMID: 21820098, 26125038, 21376300, 26410750, 27535533)

Center for Pediatric Genomic Medicine, Children's Mercy Hospital and Clinics
Classification: Uncertain significance. Last evaluated: 2016-07-11. Review status: criteria provided, single submitter. Criteria: ACMG Guidelines, 2015. Collection method: clinical testing. Allele origin: germline.
ClinVar note: Converted during submission from Uncertain Significance to Uncertain significance.

Genetic Services Laboratory, University of Chicago
Classification: Uncertain significance. Last evaluated: 2015-09-23. Review status: criteria provided, single submitter. Criteria: ACMG Guidelines, 2015. Collection method: clinical testing. Allele origin: germline. Affected: no.